The following is an entry in ClinVar:

ClinVar aggregate classification (germline): Pathogenic. Review status: criteria provided, multiple submitters, no conflicts (2 of 4 stars). 7 submissions from 7 submitters: Pathogenic (5). 2 of the submissions do not count toward it. Last evaluated 2025-09-25.

Conditions:
Spastic paraplegia. Identifiers: MedGen C0037772, HP:0001258.
Hereditary spastic paraplegia 52 (SPG52). Also called: CEREBRAL PALSY, SPASTIC QUADRIPLEGIC, 6; SPASTIC PARAPLEGIA 52, AUTOSOMAL RECESSIVE. Identifiers: Orphanet 280763, MedGen C3279743, MONDO:0013552, OMIM 614067.

gnomAD v4.1: 20 of 1,613,794 alleles (0.0012%); highest among the groups gnomAD compares: Admixed American, 0.0083%; no homozygotes.

Submissions (7):

3billion
Classification: Pathogenic for Hereditary spastic paraplegia 52. Last evaluated: 2025-09-25. Review status: criteria provided, single submitter. Criteria: ACMG Guidelines, 2015. Collection method: clinical testing. Allele origin: germline. Affected: yes.
Comment: The variant is observed at an extremely low frequency in the gnomAD v4.1.0 dataset (total allele frequency: 0.001%). Predicted Consequence/Location: Stop-gained (nonsense): predicted to result in a loss or disruption of normal protein function through nonsense-mediated decay (NMD) or protein truncation. Multiple pathogenic variants are reported downstream of the variant. The variant has been reported to be in trans with a pathogenic variant as either compound heterozygous or homozygous in at least one similarly affected unrelated individual (PMID: 21620353, 32979048). The variant has been reported to co-segregate with the disease in at least one similarly affected relative/individual in the same family or similarly affected unrelated families (PMID: 21620353, 32979048). The variant has been reported at least twice as pathogenic with clinical assertions and evidence for the classification (ClinVar ID: VCV000030658 /PMID: 21620353 /3billion dataset). Therefore, this variant is classified as Pathogenic according to the recommendation of ACMG/AMP guideline.

Labcorp Genetics (formerly Invitae), Labcorp
Classification: Pathogenic for Spastic paraplegia. Last evaluated: 2022-12-31. Review status: criteria provided, single submitter. Criteria: Invitae Variant Classification Sherloc (09022015). Collection method: clinical testing. Allele origin: germline.
Comment: ClinVar contains an entry for this variant (Variation ID: 30658). This premature translational stop signal has been observed in individuals with clinical features of hereditary spastic paraplegia (PMID: 21620353, 32979048; Invitae). This variant is present in population databases (rs387906970, gnomAD 0.01%). This sequence change creates a premature translational stop signal (p.Arg42*) in the AP4S1 gene. It is expected to result in an absent or disrupted protein product. Loss-of-function variants in AP4S1 are known to be pathogenic (PMID: 21620353, 25552650, 27444738). For these reasons, this variant has been classified as Pathogenic.

Institute of Human Genetics, University of Leipzig Medical Center
Classification: Pathogenic for Hereditary spastic paraplegia 52. Last evaluated: 2020-03-01. Review status: criteria provided, single submitter. Criteria: ACMG Guidelines, 2015. Collection method: clinical testing. Allele origin: biparental. Inheritance: Autosomal recessive inheritance. Affected: yes.
Comment: Review of the variants reported in Reuter et al., 2017, PMID: 28097321: PVS1,PM2,PP1_Strong

Mayo Clinic Laboratories, Mayo Clinic
Classification: Pathogenic. Last evaluated: 2020-02-12. Review status: criteria provided, single submitter. Criteria: ACMG Guidelines, 2015. Collection method: clinical testing. Allele origin: germline. Observed: 1 variant allele.
Comment: PVS1, PM2, PP1

Juno Genomics, Hangzhou Juno Genomics, Inc
Classification: Pathogenic for Hereditary spastic paraplegia 52. Review status: criteria provided, single submitter. Criteria: ACMG Guidelines, 2015. Collection method: clinical testing. Allele origin: germline. Affected: yes.
Comment: Absent from controls (or at extremely low frequency if recessive) in Genome Aggregation Database, Exome Sequencing Project, 1000 Genomes Project, or Exome Aggregation Consortium.;Null variant in a gene where loss of function (LOF) is a known mechanism of disease.;For recessive disorders, detected in trans with a pathogenic variant.;Co-segregation with disease in multiple affected family members in a gene definitively known to cause the disease.

Yale Center for Mendelian Genomics, Yale University
Classification: Likely pathogenic for Spastic paraplegia. Last evaluated: 2020-10-01. Review status: no assertion criteria provided. Collection method: literature only. Allele origin: germline. Affected: yes. Observed: 2 homozygotes. Study: Yale Center for Mendelian Genomics. Not counted in ClinVar's aggregate classification.

OMIM
Classification: Pathogenic for SPASTIC PARAPLEGIA 52, AUTOSOMAL RECESSIVE. Last evaluated: 2011-06-10. Review status: no assertion criteria provided. Collection method: literature only. Allele origin: germline. Not counted in ClinVar's aggregate classification.

Literature cited by the submitters: PubMed 32979048 (cited by 3 submitters); PubMed 21620353 (cited by 4 submitters); PubMed 25552650 (cited by Labcorp Genetics (formerly Invitae), Labcorp); PubMed 27444738 (cited by Labcorp Genetics (formerly Invitae), Labcorp and Mayo Clinic Laboratories, Mayo Clinic); PubMed 23167973 (cited by Mayo Clinic Laboratories, Mayo Clinic); PubMed 24700674 (cited by Mayo Clinic Laboratories, Mayo Clinic).

NM_001128126.3(AP4S1):c.124C>T (p.Arg42Ter)

Gene: AP4S1 (adaptor related protein complex 4 subunit sigma 1; plus strand). Cytogenetic location: 14q12.
Variant type: single nucleotide variant.
Coding change: c.124C>T on transcript NM_001128126.3 (MANE Select); coding-DNA position 124, C replaced by T.
Protein change: p.Arg42Ter; replaces arginine 42 with a stop codon.
Molecular consequence: nonsense.
Genome position (GRCh38, 1-based): chr14:31,066,320, C>T. VCF-style: chr14-31066320-C-T. GRCh37 (hg19) VCF-style: chr14-31535526-C-T.
Other names: c.124C>T, p.Arg42Ter (NM_001254726.2, NM_001254727.2, NM_001254728.2 and 2 more transcripts); short protein forms R42*.
Identifiers: ClinVar variation 30658 (VCV000030658.17), dbSNP rs387906970, ClinGen allele CA342743.